The following is an entry in ClinVar:

NM_182914.3(SYNE2):c.11613A>G (p.Val3871=)

Gene: SYNE2 (spectrin repeat containing nuclear envelope protein 2; plus strand). Cytogenetic location: 14q23.2.
Variant type: single nucleotide variant.
Coding change: c.11613A>G on transcript NM_182914.3 (MANE Select); coding-DNA position 11613, A replaced by G.
Protein change: p.Val3871=; no amino-acid change (valine 3871 retained).
Molecular consequence: synonymous variant.
Genome position (GRCh38, 1-based): chr14:64,087,799, A>G. VCF-style: chr14-64087799-A-G. GRCh37 (hg19) VCF-style: chr14-64554517-A-G.
Other names: c.11613A>G, p.Val3871= (NM_015180.6).
Identifiers: ClinVar variation 130459 (VCV000130459.21), dbSNP rs17101637, ClinGen allele CA155508.

ClinVar aggregate classification (germline): Benign. Review status: criteria provided, multiple submitters, no conflicts (2 of 4 stars). 6 submissions from 6 submitters: Benign (5). 1 of the submissions does not count toward it. Last evaluated 2026-02-01.

Conditions:
SYNE2-related disorder. Also called: SYNE2-related condition.
Emery-Dreifuss muscular dystrophy 5, autosomal dominant (EDMD5). Also called: EMERY-DREIFUSS MUSCULAR DYSTROPHY 5. Identifiers: Orphanet 261, MedGen C2751805, MONDO:0013072, OMIM 612999.

Allele frequency attached by ClinVar (database versions not stated): gnomAD exomes 0.07295 and 0.08321; ESP Exome Variant Server 0.10143; 1000 Genomes Project 0.10204; 1000 Genomes Project 30x 0.10415; ExAC 0.08333; gnomAD 0.10790; TOPMed 0.10929.
gnomAD v4.1: 122,935 of 1,613,930 alleles (7.6%); highest among the groups gnomAD compares: African/African-American, 18%; 5,365 homozygotes.

Submissions (6):

Labcorp Genetics (formerly Invitae), Labcorp
Classification: Benign for Emery-Dreifuss muscular dystrophy 5, autosomal dominant. Last evaluated: 2026-02-01. Review status: criteria provided, single submitter. Criteria: Invitae Variant Classification Sherloc (09022015). Collection method: clinical testing. Allele origin: germline.

GeneDx
Classification: Benign. Last evaluated: 2018-07-09. Review status: criteria provided, single submitter. Criteria: GeneDx Variant Classification Process June 2021. Collection method: clinical testing. Allele origin: germline. Affected: yes.

Illumina Laboratory Services, Illumina
Classification: Benign for Emery-Dreifuss muscular dystrophy 5, autosomal dominant. Last evaluated: 2018-01-13. Review status: criteria provided, single submitter. Criteria: ICSL Variant Classification Criteria 13 December 2019. Collection method: clinical testing. Allele origin: germline.
Comment: This variant was observed in the ICSL laboratory as part of a predisposition screen in an ostensibly healthy population. It had not been previously curated by ICSL or reported in the Human Gene Mutation Database (HGMD: prior to June 1st, 2018), and was therefore a candidate for classification through an automated scoring system. Utilizing variant allele frequency, disease prevalence and penetrance estimates, and inheritance mode, an automated score was calculated to assess if this variant is too frequent to cause the disease. Based on the score and internal cut-off values, a variant classified as benign is not then subjected to further curation. The score for this variant resulted in a classification of benign for this disease.

Genetic Services Laboratory, University of Chicago
Classification: Benign for AllHighlyPenetrant. Last evaluated: 2013-08-15. Review status: criteria provided, single submitter. Criteria: ACMG Guidelines, 2007. Collection method: clinical testing. Allele origin: germline. Inheritance: Autosomal dominant inheritance.

Breakthrough Genomics
Classification: Benign. Review status: criteria provided, single submitter. Criteria: ACMG Guidelines, 2015. Collection method: not provided. Allele origin: germline. Inheritance: Autosomal dominant inheritance. Affected: yes.

PreventionGenetics, part of Exact Sciences
Classification: Benign for SYNE2-related condition. Last evaluated: 2019-12-05. Review status: no assertion criteria provided. Collection method: clinical testing. Allele origin: germline. Not counted in ClinVar's aggregate classification.
Comment: This variant is classified as benign based on ACMG/AMP sequence variant interpretation guidelines (Richards et al. 2015 PMID: 25741868, with internal and published modifications).